The following is an entry in ClinVar:

ClinVar aggregate classification (germline): Benign (1 of 4 stars; one submission).

Conditions:
Familial cancer of breast. Also called: BREAST CANCER, FAMILIAL; Hereditary breast cancer; hereditary breast carcinoma. Identifiers: Orphanet 227535, MedGen C0346153, MONDO:0016419, OMIM 114480. Disease mechanism: loss of function.

Submission:

Myriad Genetics, Inc.
Classification: Benign for Familial cancer of breast. Last evaluated: 2024-05-20. Review status: criteria provided, single submitter. Criteria: Myriad Autosomal Dominant, Autosomal Recessive and X-Linked Classification Criteria (2023). Collection method: clinical testing. Allele origin: unknown.
Comment: This variant is considered benign. This variant is a silent/synonymous amino acid change and it is not expected to impact splicing.

NM_000051.4(ATM):c.4536T>A (p.Ala1512=)

Gene: ATM (ATM serine/threonine kinase; plus strand). Cytogenetic location: 11q22.3.
Variant type: single nucleotide variant.
Coding change: c.4536T>A on transcript NM_000051.4 (MANE Select); coding-DNA position 4536, T replaced by A.
Protein change: p.Ala1512=; no amino-acid change (alanine 1512 retained).
Molecular consequence: synonymous variant.
Genome position (GRCh38, 1-based): chr11:108,292,718, T>A. VCF-style: chr11-108292718-T-A. GRCh37 (hg19) VCF-style: chr11-108163445-T-A.
Other names: c.4536T>A, p.Ala1512= (NM_001351834.2).
Identifiers: ClinVar variation 3254269 (VCV003254269.1), dbSNP rs1555099909.
Genomic context (GRCh38, chr11:108,292,718, plus strand): 5'-CCTTTGTTGTGACTTATTAAGTCAGGTTTGCCAGACAGCCGTGACTTACTGTAAGGATGC[T>A]CTAGAAAACCATCTTCATGTTATTGTTGGTACACTTATACCCCTTGTGTATGAGCAGGTG-3'
Protein context (NP_000042.3, residues 1502-1522): CQTAVTYCKD[Ala1512=]LENHLHVIVG